The following is an entry in ClinVar:

ClinVar aggregate classification (germline): Uncertain significance (1 of 4 stars; one submission).

Conditions:
Familial episodic pain syndrome with predominantly lower limb involvement. Also called: Episodic pain syndrome, familial, 3. Identifiers: Orphanet 391384, Orphanet 391392, MedGen C3809899, MONDO:0014247, OMIM 615552.
Hereditary sensory and autonomic neuropathy type 7. Also called: Neuropathy, hereditary sensory and autonomic, type VII; HSAN VII. Identifiers: Orphanet 391397, MedGen C3809882, MONDO:0014244, OMIM 615548.

Allele frequency attached by ClinVar (database versions not stated): gnomAD exomes below 0.00001; ExAC 0.00002.
gnomAD v4.1: 2 of 1,614,046 alleles (0.00012%); highest among the groups gnomAD compares: Non-Finnish European, 0.00017%; no homozygotes.

Submission:

Labcorp Genetics (formerly Invitae), Labcorp
Classification: Uncertain significance for Familial episodic pain syndrome with predominantly lower limb involvement; Hereditary sensory and autonomic neuropathy type 7. Last evaluated: 2023-01-02. Review status: criteria provided, single submitter. Criteria: Invitae Variant Classification Sherloc (09022015). Collection method: clinical testing. Allele origin: germline.
Comment: This sequence change affects codon 260 of the SCN11A mRNA. It is a 'silent' change, meaning that it does not change the encoded amino acid sequence of the SCN11A protein. In summary, the available evidence is currently insufficient to determine the role of this variant in disease. Therefore, it has been classified as a Variant of Uncertain Significance. Algorithms developed to predict the effect of sequence changes on RNA splicing suggest that this variant may create or strengthen a splice site. This variant has not been reported in the literature in individuals affected with SCN11A-related conditions. This variant is present in population databases (rs775274350, gnomAD 0.002%).

NM_001349253.2(SCN11A):c.780C>T (p.Thr260=)

Gene: SCN11A (sodium voltage-gated channel alpha subunit 11; minus strand). Cytogenetic location: 3p22.2.
Variant type: single nucleotide variant.
Coding change: c.780C>T on transcript NM_001349253.2 (MANE Select); coding-DNA position 780, C replaced by T.
Protein change: p.Thr260=; no amino-acid change (threonine 260 retained).
Molecular consequence: synonymous variant.
Genome position (GRCh38, 1-based): chr3:38,921,188, G>A on the plus strand (C>T on the coding strand, the complement: SCN11A is on the minus strand). VCF-style: chr3-38921188-G-A. GRCh37 (hg19) VCF-style: chr3-38962679-G-A.
Other names: c.780C>T, p.Thr260= (NM_014139.3).
Identifiers: ClinVar variation 2924763 (VCV002924763.3), dbSNP rs775274350, ClinGen allele CA2322507.